The following is an entry in ClinVar:

NM_022489.4(INF2):c.3655G>A (p.Gly1219Arg)

Gene: INF2 (inverted formin 2; plus strand). Cytogenetic location: 14q32.33.
Variant type: single nucleotide variant.
Coding change: c.3655G>A on transcript NM_022489.4 (MANE Select); coding-DNA position 3655, G replaced by A.
Protein change: p.Gly1219Arg; replaces glycine 1219 with arginine.
Molecular consequence: missense variant. On other transcripts: non-coding transcript variant (1).
Genome position (GRCh38, 1-based): chr14:104,714,817, G>A. VCF-style: chr14-104714817-G-A. GRCh37 (hg19) VCF-style: chr14-105181154-G-A.
Other names: p.Gly1219Arg; c.3655G>A, p.Gly1219Arg (NM_001031714.4, NM_001426862.1, NM_001426863.1 and 2 more transcripts); short protein forms G1219R.
Identifiers: ClinVar variation 3380243 (VCV003380243.1).

ClinVar aggregate classification (germline): Uncertain significance (1 of 4 stars; one submission).

gnomAD v4.1: 18 of 1,593,508 alleles (0.0011%); highest among the groups gnomAD compares: Non-Finnish European, 0.0013%; no homozygotes.

Submission:

Mayo Clinic Laboratories, Mayo Clinic
Classification: Uncertain significance. Last evaluated: 2023-05-30. Review status: criteria provided, single submitter. Criteria: ACMG Guidelines, 2015. Collection method: clinical testing. Allele origin: germline. Observed: 1 variant allele.
Comment: BP4

Literature cited by the submitters: PubMed 36753701.